The following is an entry in ClinVar:

ClinVar aggregate classification (germline): Pathogenic/Likely pathogenic. Review status: criteria provided, multiple submitters, no conflicts (2 of 4 stars). 4 submissions from 4 submitters: Pathogenic (1); Likely pathogenic (3). Last evaluated 2025-04-22.

Conditions:
Hereditary cancer-predisposing syndrome. Also called: Hereditary neoplastic syndrome; Neoplastic Syndromes, Hereditary; Tumor predisposition; Hereditary Cancer Syndrome. Identifiers: Orphanet 140162, MedGen C0027672, MeSH D009386, MONDO:0015356.
Ataxia-telangiectasia syndrome (AT). Also called: Ataxia telangiectasia (A-T); LOUIS-BAR SYNDROME; Cerebello-oculocutaneous telangiectasia; Immunodeficiency with ataxia telangiectasia; Ataxia-telangiectasia, complementation group D; AT, COMPLEMENTATION GROUP C. Identifiers: Orphanet 100, MedGen C0004135, MONDO:0008840, OMIM 208900.

Submissions (4):

Molecular Diagnostics Laboratory, Catalan Institute of Oncology
Classification: Likely pathogenic for Hereditary cancer-predisposing syndrome. Last evaluated: 2025-04-22. Review status: criteria provided, single submitter. Criteria: ClinGen ACMG Specifications ATM V1.1.0. Collection method: clinical testing. Allele origin: germline.
Comment: PVS1 (RNA), PM2_Supporting c.2839-2A>G, located in a canonic splicing site of the ATM gene is predicted to alter splicing. The SpliceAI algorithm predicts that the variant disrupts the canonical acceptor site (score shifts from 0,89 to 0,00) and also generates a novel cryptic splice acceptor site (score shifts from 0,28 to 0,96), resulting in the deletion of the first 18 nucleotides of exon 19, probably causing the skipping in-frame of the first 6 aminoacids of exon 19 (r.2839_2856del, p.Tyr947_Lys952del), a very small indel predicted damaging by Provean. A functional RNA study performed by Invitae confirmed this effect (PVS1 (RNA), Invitae classification comments in ClinVar DB). This variant disrupts a region of the ATM protein in which the variant c.2849T>G; p.(Leu950Arg) has been found; this variant has been reported in individuals affected with Ataxia-Telangiectasia (PMID: 10873394, 12552559, 20678261, 21792198), and has been demonstrated to lead to lack of ATM protein expression (PMID: 10873394, 20678261). The c.2839-2A>G variant is not present in the population database gnomAD v2.1.1, non-cancer dataset (PM2_supporting). To our knowledge, neither relevant clinical data nor functional studies have been reported for this variant. This variant has been reported in the ClinVar database (1x pathogenic, 2x likely pathogenic) but not in the LOVD database. Based on currently available information, the variant c.2839-2A>G should be considered a likely pathogenic variant according to ACMG Classification Rules Specified for ATM v1.3.0.

Labcorp Genetics (formerly Invitae), Labcorp
Classification: Pathogenic for Ataxia-telangiectasia syndrome. Last evaluated: 2022-11-15. Review status: criteria provided, single submitter. Criteria: Invitae Variant Classification Sherloc (09022015). Collection method: clinical testing. Allele origin: germline.
Comment: For these reasons, this variant has been classified as Pathogenic. This variant disrupts a region of the ATM protein in which other variant(s) (p.Leu950Arg) have been determined to be pathogenic (PMID: 10873394, 12552559, 20678261, 21792198). This suggests that this is a clinically significant region of the protein, and that variants that disrupt it are likely to be disease-causing. Studies have shown that disruption of this splice site results in the activation of a cryptic splice site in exon 19 (Invitae). ClinVar contains an entry for this variant (Variation ID: 407724). This variant has not been reported in the literature in individuals affected with ATM-related conditions. This variant is not present in population databases (gnomAD no frequency). This sequence change affects an acceptor splice site in intron 18 of the ATM gene. RNA analysis indicates that disruption of this splice site induces altered splicing and likely results in the loss of 6 amino acid residue(s), but is expected to preserve the integrity of the reading-frame.

Spanish ATM Cancer Susceptibility Variant Interpretation Working Group
Classification: Likely pathogenic for Hereditary cancer-predisposing syndrome. Last evaluated: 2020-06-17. Review status: criteria provided, single submitter. Criteria: Feliubadaló L et al. (Clin Chem 2021). Collection method: clinical testing. Allele origin: germline. Affected: yes. Observed: 1 heterozygote.
Comment: The c.2839-2A>G is located in the canonical donor splice site of intron 19, and it is predicted to cause the skipping of exon 19 and disruption of the reading frame, and to undergo nonsense mediated decay (NMD) (PVS1). It is absent from the gnomAD v2.1.1 non-cancer dataset, in a position with adequate coverage (>20x) (PM2). Therefore, this variant meets criteria to be classified as likely pathogenic. Adapted ACMG/AMP rules were applied as defined by the Spanish-ATM Variant Curation Panel: PVS1 + PM2. Adapted ACMG/AMP rules applied as defined by the Spanish ATM working group: PVS1 + PM2 (PMID: 33280026).

Ambry Genetics
Classification: Likely pathogenic for Hereditary cancer-predisposing syndrome. Last evaluated: 2017-08-01. Review status: criteria provided, single submitter. Criteria: Ambry Variant Classification Scheme 2023. Collection method: clinical testing. Allele origin: germline.
Comment: The c.2839-2A>G intronic variant results from an A to G substitution two nucleotides upstream from coding exon 18 in the ATM gene. This nucleotide position is highly conserved in available vertebrate species. Using the BDGP and ESEfinder splice site prediction tools, this alteration is predicted to abolish the native splice acceptor site; however, direct evidence is unavailable. Alterations that disrupt the canonical splice site are expected to cause aberrant splicing, resulting in an abnormal protein or a transcript that is subject to nonsense-mediated mRNA decay. As such, this alteration is classified as likely pathogenic.

Literature cited by the submitters: PubMed 10873394 (cited by Labcorp Genetics (formerly Invitae), Labcorp); PubMed 12552559 (cited by Labcorp Genetics (formerly Invitae), Labcorp); PubMed 20678261 (cited by Labcorp Genetics (formerly Invitae), Labcorp); PubMed 21792198 (cited by Labcorp Genetics (formerly Invitae), Labcorp).

NM_000051.4(ATM):c.2839-2A>G

Gene: ATM (ATM serine/threonine kinase; plus strand). Cytogenetic location: 11q22.3.
Variant type: single nucleotide variant.
Coding change: c.2839-2A>G on transcript NM_000051.4 (MANE Select); the canonical splice acceptor site of the intron before coding-DNA position 2839, A replaced by G.
Molecular consequence: splice acceptor variant.
Genome position (GRCh38, 1-based): chr11:108,271,062, A>G. VCF-style: chr11-108271062-A-G. GRCh37 (hg19) VCF-style: chr11-108141789-A-G.
Other names: c.2839-2A>G (NM_001351834.2).
Identifiers: ClinVar variation 407724 (VCV000407724.13), dbSNP rs1060501703, ClinGen allele CA16613314.